The following is an entry in ClinVar:

ClinVar aggregate classification (germline): Uncertain significance (1 of 4 stars; one submission).

Conditions:
Inborn genetic diseases. Identifiers: MedGen C0950123, MeSH D030342.

Submission:

Ambry Genetics
Classification: Uncertain significance for Inborn genetic diseases. Last evaluated: 2026-05-16. Review status: criteria provided, single submitter. Criteria: Ambry Variant Classification Scheme 2023. Collection method: clinical testing. Allele origin: germline.
Comment: The p.P205R variant (also known as c.614C>G), located in coding exon 6 of the USB1 gene, results from a C to G substitution at nucleotide position 614. The proline at codon 205 is replaced by arginine, an amino acid with dissimilar properties. This amino acid position is conserved. In addition, the in silico prediction for this alteration is inconclusive. Based on the available evidence, the clinical significance of this variant remains unclear.

NM_024598.4(USB1):c.614C>G (p.Pro205Arg)

Gene: USB1 (U6 snRNA biogenesis phosphodiesterase 1; plus strand). Cytogenetic location: 16q21.
Variant type: single nucleotide variant.
Coding change: c.614C>G on transcript NM_024598.4 (MANE Select); coding-DNA position 614, C replaced by G.
Protein change: p.Pro205Arg; replaces proline 205 with arginine.
Molecular consequence: missense variant.
Genome position (GRCh38, 1-based): chr16:58,018,976, C>G. VCF-style: chr16-58018976-C-G. GRCh37 (hg19) VCF-style: chr16-58052880-C-G.
Other names: c.560C>G, p.Pro187Arg (NM_001195302.2); c.461C>G, p.Pro154Arg (NM_001330568.2); short protein forms P154R, P187R, P205R.
Identifiers: ClinVar variation 4866366 (VCV004866366.1).